The following is an entry in ClinVar:

NM_007118.4(TRIO):c.5541CTC[2] (p.Ser1850del)

Gene: TRIO (trio Rho guanine nucleotide exchange factor; plus strand). Cytogenetic location: 5p15.2.
Variant type: Microsatellite.
Coding change: c.5541CTC[2] on transcript NM_007118.4 (MANE Select); two copies in a row of the 3-base unit CTC starting at c.5541; the reference has three copies in a row; one copy, 3 bases deleted; also written c.5547_5549del.
Protein change: p.Ser1850del; deletes serine 1850.
Molecular consequence: inframe deletion. On other transcripts: non-coding transcript variant (1).
Genome position (GRCh38, 1-based): chr5:14,462,805-14,462,807, CTC deleted; deleting any 3 consecutive bases within chr5:14,462,797-14,462,807 gives the same sequence; the position shown is the placement nearest the transcript's 3' end. VCF-style (leftmost placement, unchanged base first): chr5-14462796-ATCC-A. GRCh37 (hg19) VCF-style: chr5-14462905-ATCC-A.
Other names: c.5547_5549del (NM_007118.2); short protein forms S1850del.
Identifiers: ClinVar variation 1176485 (VCV001176485.36), dbSNP rs2126507060, ClinGen allele CA2580613529.

ClinVar aggregate classification (germline): Uncertain significance. Review status: criteria provided, multiple submitters, no conflicts (2 of 4 stars). 2 submissions from 2 submitters: Uncertain significance (2). Last evaluated 2024-12-06.

Submissions (2):

GeneDx
Classification: Uncertain significance. Last evaluated: 2024-12-06. Review status: criteria provided, single submitter. Criteria: GeneDx Variant Classification Process June 2021. Collection method: clinical testing. Allele origin: germline. Affected: yes.
Comment: Not observed at significant frequency in large population cohorts (gnomAD); In-frame deletion of 1 amino acid(s) in a non-repeat region; In silico analysis supports a deleterious effect on protein structure/function; Has not been previously published as pathogenic or benign to our knowledge

CeGaT Center for Human Genetics Tuebingen
Classification: Uncertain significance. Last evaluated: 2021-06-01. Review status: criteria provided, single submitter. Criteria: CeGaT Center For Human Genetics Tuebingen Variant Classification Criteria Version 2. Collection method: clinical testing. Allele origin: germline. Affected: yes. Observed: 1 variant allele.